The following is an entry in ClinVar:

NM_017636.4(TRPM4):c.946G>A (p.Glu316Lys)

Gene: TRPM4 (transient receptor potential cation channel subfamily M member 4; plus strand). Cytogenetic location: 19q13.33.
Variant type: single nucleotide variant.
Coding change: c.946G>A on transcript NM_017636.4 (MANE Select); coding-DNA position 946, G replaced by A.
Protein change: p.Glu316Lys; replaces glutamic acid 316 with lysine.
Molecular consequence: missense variant. On other transcripts: 5 prime UTR variant (1).
Genome position (GRCh38, 1-based): chr19:49,171,665, G>A. VCF-style: chr19-49171665-G-A. GRCh37 (hg19) VCF-style: chr19-49674922-G-A.
Other names: c.946G>A, p.Glu316Lys (NM_001195227.2); c.601G>A, p.Glu201Lys (NM_001321281.2); c.-608G>A (NM_001321282.2); c.424G>A, p.Glu142Lys (NM_001321283.2); c.97G>A, p.Glu33Lys (NM_001321285.2); short protein forms E316K, E33K, E142K, E201K.
Identifiers: ClinVar variation 1767063 (VCV001767063.2), dbSNP rs2514071496, ClinGen allele CA406794093.

ClinVar aggregate classification (germline): Uncertain significance (1 of 4 stars; one submission).

Conditions:
Cardiovascular phenotype. Identifiers: MedGen CN230736.

Submission:

Ambry Genetics
Classification: Uncertain significance for Cardiovascular phenotype. Last evaluated: 2021-04-14. Review status: criteria provided, single submitter. Criteria: Ambry Variant Classification Scheme 2023. Collection method: clinical testing. Allele origin: germline.
Comment: The p.E316K variant (also known as c.946G>A), located in coding exon 8 of the TRPM4 gene, results from a G to A substitution at nucleotide position 946. The glutamic acid at codon 316 is replaced by lysine, an amino acid with similar properties. This amino acid position is well conserved in available vertebrate species. In addition, this alteration is predicted to be tolerated by in silico analysis. Since supporting evidence is limited at this time, the clinical significance of this alteration remains unclear.